The following is an entry in ClinVar:

ClinVar aggregate classification (germline): Likely benign (1 of 4 stars; one submission).

Conditions:
PROM1-related disorder. Also called: PROM1-related condition; PROM1-related disorders.

gnomAD v4.1: 1 of 1,583,958 alleles (0.000063%); highest among the groups gnomAD compares: Non-Finnish European, 0.000085%; no homozygotes.

Submission:

PreventionGenetics, part of Exact Sciences
Classification: Likely benign for PROM1-related condition. Last evaluated: 2026-04-10. Review status: criteria provided, single submitter. Criteria: ACMG Guidelines, 2015. Collection method: clinical testing. Allele origin: germline.
Comment: This variant is classified as likely benign based on ACMG/AMP sequence variant interpretation guidelines (Richards et al. 2015 PMID: 25741868, with internal and published modifications).

NM_006017.3(PROM1):c.1912-7A>G

Gene: PROM1 (prominin 1; minus strand). Cytogenetic location: 4p15.32.
Variant type: single nucleotide variant.
Coding change: c.1912-7A>G on transcript NM_006017.3 (MANE Select); 7 bases into the intron before coding-DNA position 1912, A replaced by G.
Molecular consequence: intron variant.
Genome position (GRCh38, 1-based): chr4:15,991,300, T>C on the plus strand (A>G on the coding strand, the complement: PROM1 is on the minus strand). VCF-style: chr4-15991300-T-C. GRCh37 (hg19) VCF-style: chr4-15992923-T-C.
Other names: c.1546-7A>G (NM_001441179.1); c.1801-7A>G (NM_001441174.1); c.1780-7A>G (NM_001441177.1); c.1884+948A>G (NM_001441178.1); c.1885-7A>G (NM_001441176.1, NM_001441173.1, NM_001441175.1 and 7 more transcripts); c.1912-7A>G (NM_001145850.2, NM_001145849.2).
Identifiers: ClinVar variation 4981924 (VCV004981924.1).
Genomic context (GRCh38, chr4:15,991,300, plus strand): 5'-TTCTAGATCATATGCAAATGATAAAAGATTCACTCCTGCGGGGGATTTACCAGTCTACAA[T>C]AGAAGTGAAAAAAATTGTCTTATGGATATGGGATCTTTAAGCCTTAACACAACATCTAGT-3'